The following is an entry in ClinVar:

ClinVar aggregate classification (germline): Conflicting classifications of pathogenicity. Review status: criteria provided, conflicting classifications (1 of 4 stars). 4 submissions from 4 submitters: Uncertain significance (2); Likely benign (1). 1 of the submissions does not count toward it. Last evaluated 2025-06-17.

Conditions:
RAI1-related disorder. Also called: RAI1-related condition.
Inborn genetic diseases. Identifiers: MedGen C0950123, MeSH D030342.

Allele frequency attached by ClinVar (database versions not stated): gnomAD exomes below 0.00001; gnomAD 0.00001; TOPMed 0.00001.
gnomAD v4.1: 3 of 1,613,290 alleles (0.00019%); highest among the groups gnomAD compares: African/African-American, 0.004%; no homozygotes.

Submissions (4):

Ambry Genetics
Classification: Likely benign for Inborn genetic diseases. Last evaluated: 2025-06-17. Review status: criteria provided, single submitter. Criteria: Ambry Variant Classification Scheme 2023. Collection method: clinical testing. Allele origin: germline.

Labcorp Genetics (formerly Invitae), Labcorp
Classification: Uncertain significance. Last evaluated: 2023-08-05. Review status: criteria provided, single submitter. Criteria: Invitae Variant Classification Sherloc (09022015). Collection method: clinical testing. Allele origin: germline.
Comment: This sequence change replaces asparagine, which is neutral and polar, with serine, which is neutral and polar, at codon 425 of the RAI1 protein (p.Asn425Ser). This variant is present in population databases (no rsID available, gnomAD 0.02%). This variant has not been reported in the literature in individuals affected with RAI1-related conditions. ClinVar contains an entry for this variant (Variation ID: 448154). Advanced modeling of protein sequence and biophysical properties (such as structural, functional, and spatial information, amino acid conservation, physicochemical variation, residue mobility, and thermodynamic stability) performed at Invitae indicates that this missense variant is not expected to disrupt RAI1 protein function. In summary, the available evidence is currently insufficient to determine the role of this variant in disease. Therefore, it has been classified as a Variant of Uncertain Significance.

Athena Diagnostics
Classification: Uncertain significance. Last evaluated: 2017-02-09. Review status: criteria provided, single submitter. Criteria: Athena Diagnostics Criteria. Collection method: clinical testing. Allele origin: germline.

PreventionGenetics, part of Exact Sciences
Classification: Uncertain significance for RAI1-related condition. Last evaluated: 2024-05-30. Review status: no assertion criteria provided. Collection method: clinical testing. Allele origin: germline. Not counted in ClinVar's aggregate classification.
Comment: The RAI1 c.1274A>G variant is predicted to result in the amino acid substitution p.Asn425Ser. To our knowledge, this variant has not been reported in the literature. This variant is reported in 0.016% of alleles in individuals of African descent in gnomAD. Although we suspect that this variant may be benign, at this time, the clinical significance of this variant is uncertain due to the absence of conclusive functional and genetic evidence.

NM_030665.4(RAI1):c.1274A>G (p.Asn425Ser)

Gene: RAI1 (retinoic acid induced 1; plus strand). Cytogenetic location: 17p11.2.
Variant type: single nucleotide variant.
Coding change: c.1274A>G on transcript NM_030665.4 (MANE Select); coding-DNA position 1274, A replaced by G.
Protein change: p.Asn425Ser; replaces asparagine 425 with serine.
Molecular consequence: missense variant.
Genome position (GRCh38, 1-based): chr17:17,794,222, A>G. VCF-style: chr17-17794222-A-G. GRCh37 (hg19) VCF-style: chr17-17697536-A-G.
Other names: short protein forms N425S.
Identifiers: ClinVar variation 448154 (VCV000448154.7), dbSNP rs1054337797, ClinGen allele CA288367621.